The following is an entry in ClinVar:

ClinVar aggregate classification (germline): Likely benign (1 of 4 stars; one submission).

Allele frequency attached by ClinVar (database versions not stated): ExAC 0.00001; gnomAD 0.00001.
gnomAD v4.1: 4 of 1,613,482 alleles (0.00025%); highest among the groups gnomAD compares: Non-Finnish European, 0.00034%; no homozygotes.

Submission:

CeGaT Center for Human Genetics Tuebingen
Classification: Likely benign. Last evaluated: 2024-04-01. Review status: criteria provided, single submitter. Criteria: CeGaT Center For Human Genetics Tuebingen Variant Classification Criteria Version 2. Collection method: clinical testing. Allele origin: germline. Affected: yes. Observed: 1 variant allele.
Comment: SHANK2: BP4

NM_012309.5(SHANK2):c.4786G>T (p.Val1596Phe)

Gene: SHANK2 (SH3 and multiple ankyrin repeat domains 2; minus strand). Cytogenetic location: 11q13.3.
Variant type: single nucleotide variant.
Coding change: c.4786G>T on transcript NM_012309.5 (MANE Select); coding-DNA position 4786, G replaced by T.
Protein change: p.Val1596Phe; replaces valine 1596 with phenylalanine.
Molecular consequence: missense variant.
Genome position (GRCh38, 1-based): chr11:70,485,507, C>A on the plus strand (G>T on the coding strand, the complement: SHANK2 is on the minus strand). VCF-style: chr11-70485507-C-A. GRCh37 (hg19) VCF-style: chr11-70331612-C-A.
Other names: c.3649G>T, p.Val1217Phe (NM_001379226.1); c.3022G>T, p.Val1008Phe (NM_133266.5); short protein forms V1008F, V1217F, V1596F.
Identifiers: ClinVar variation 3234718 (VCV003234718.20), dbSNP rs782593128, ClinGen allele CA6160859.